The following is an entry in ClinVar:

ClinVar aggregate classification (germline): Uncertain significance. Review status: criteria provided, multiple submitters, no conflicts (2 of 4 stars). 2 submissions from 2 submitters: Uncertain significance (2). Last evaluated 2025-08-30.

Conditions:
Hereditary cancer-predisposing syndrome. Also called: Hereditary neoplastic syndrome; Neoplastic Syndromes, Hereditary; Tumor predisposition; Hereditary Cancer Syndrome. Identifiers: Orphanet 140162, MedGen C0027672, MeSH D009386, MONDO:0015356.
Retinoblastoma (RB1). Also called: RETINOBLASTOMA, SOMATIC. Identifiers: Orphanet 790, MedGen C0035335, MeSH D012175, MONDO:0008380, OMIM 180200, HP:0009919. Disease mechanism: loss of function. Inheritance: Both sporadic and heritable forms are tested..

Submissions (2):

Labcorp Genetics (formerly Invitae), Labcorp
Classification: Uncertain significance for Retinoblastoma. Last evaluated: 2025-08-30. Review status: criteria provided, single submitter. Criteria: Invitae Variant Classification Sherloc (09022015). Collection method: clinical testing. Allele origin: germline.
Comment: This sequence change replaces alanine, which is neutral and non-polar, with glycine, which is neutral and non-polar, at codon 628 of the RB1 protein (p.Ala628Gly). This variant is not present in population databases (gnomAD no frequency). This variant has not been reported in the literature in individuals affected with RB1-related conditions. ClinVar contains an entry for this variant (Variation ID: 1511893). Invitae Evidence Modeling of protein sequence and biophysical properties (such as structural, functional, and spatial information, amino acid conservation, physicochemical variation, residue mobility, and thermodynamic stability) indicates that this missense variant is not expected to disrupt RB1 protein function with a negative predictive value of 80%. In summary, the available evidence is currently insufficient to determine the role of this variant in disease. Therefore, it has been classified as a Variant of Uncertain Significance.

Ambry Genetics
Classification: Uncertain significance for Hereditary cancer-predisposing syndrome. Last evaluated: 2024-07-16. Review status: criteria provided, single submitter. Criteria: Ambry Variant Classification Scheme 2023. Collection method: clinical testing. Allele origin: germline.
Comment: The p.A628G variant (also known as c.1883C>G), located in coding exon 19 of the RB1 gene, results from a C to G substitution at nucleotide position 1883. The alanine at codon 628 is replaced by glycine, an amino acid with similar properties. This amino acid position is not well conserved in available vertebrate species. In addition, this alteration is predicted to be tolerated by in silico analysis. Since supporting evidence is limited at this time, the clinical significance of this alteration remains unclear.

NM_000321.3(RB1):c.1883C>G (p.Ala628Gly)

Gene: RB1 (RB transcriptional corepressor 1; plus strand). Cytogenetic location: 13q14.2.
Variant type: single nucleotide variant.
Coding change: c.1883C>G on transcript NM_000321.3 (MANE Select); coding-DNA position 1883, C replaced by G.
Protein change: p.Ala628Gly; replaces alanine 628 with glycine.
Molecular consequence: missense variant.
Genome position (GRCh38, 1-based): chr13:48,456,272, C>G. VCF-style: chr13-48456272-C-G. GRCh37 (hg19) VCF-style: chr13-49030408-C-G.
Other names: short protein forms A628G.
Identifiers: ClinVar variation 1511893 (VCV001511893.11), dbSNP rs1329826610, ClinGen allele CA388165981.